The following is an entry in ClinVar:

ClinVar aggregate classification (germline): Uncertain significance (1 of 4 stars; one submission).

Allele frequency attached by ClinVar (database versions not stated): gnomAD 0.00006; gnomAD exomes 0.00006; TOPMed 0.00006; ExAC 0.00008; ESP Exome Variant Server 0.00008.

Submission:

Labcorp Genetics (formerly Invitae), Labcorp
Classification: Uncertain significance. Last evaluated: 2022-03-14. Review status: criteria provided, single submitter. Criteria: Invitae Variant Classification Sherloc (09022015). Collection method: clinical testing. Allele origin: germline.
Comment: This sequence change replaces alanine, which is neutral and non-polar, with threonine, which is neutral and polar, at codon 257 of the SLC18A2 protein (p.Ala257Thr). This variant is present in population databases (rs201547103, gnomAD 0.01%). This variant has not been reported in the literature in individuals affected with SLC18A2-related conditions. Algorithms developed to predict the effect of missense changes on protein structure and function output the following: SIFT: "Tolerated"; PolyPhen-2: "Benign"; Align-GVGD: "Class C0". The threonine amino acid residue is found in multiple mammalian species, which suggests that this missense change does not adversely affect protein function. In summary, the available evidence is currently insufficient to determine the role of this variant in disease. Therefore, it has been classified as a Variant of Uncertain Significance.

NM_003054.6(SLC18A2):c.769G>A (p.Ala257Thr)

Gene: SLC18A2 (solute carrier family 18 member A2; plus strand). Cytogenetic location: 10q25.3.
Variant type: single nucleotide variant.
Coding change: c.769G>A on transcript NM_003054.6 (MANE Select); coding-DNA position 769, G replaced by A.
Protein change: p.Ala257Thr; replaces alanine 257 with threonine.
Molecular consequence: missense variant.
Genome position (GRCh38, 1-based): chr10:117,255,345, G>A. VCF-style: chr10-117255345-G-A. GRCh37 (hg19) VCF-style: chr10-119014856-G-A.
Other names: short protein forms A257T.
Identifiers: ClinVar variation 1491929 (VCV001491929.5), dbSNP rs201547103, ClinGen allele CA5710412.